The following is an entry in ClinVar:

ClinVar aggregate classification (germline): Uncertain significance. Review status: criteria provided, multiple submitters, no conflicts (2 of 4 stars). 2 submissions from 2 submitters: Uncertain significance (2). Last evaluated 2025-07-24.

Conditions:
Neurofibromatosis, type 1 (NF1). Also called: NEUROFIBROMATOSIS, TYPE I, SOMATIC; Peripheral type neurofibromatosis; VON RECKLINGHAUSEN DISEASE; Neurofibromatosis, type I. Identifiers: Orphanet 636, MedGen C0027831, MONDO:0018975, OMIM 162200. Disease mechanism: loss of function.
Hereditary cancer-predisposing syndrome. Also called: Hereditary neoplastic syndrome; Neoplastic Syndromes, Hereditary; Tumor predisposition; Hereditary Cancer Syndrome. Identifiers: Orphanet 140162, MedGen C0027672, MeSH D009386, MONDO:0015356.
Cardiovascular phenotype. Identifiers: MedGen CN230736.

Submissions (2):

Ambry Genetics
Classification: Uncertain significance for Cardiovascular phenotype; Hereditary cancer-predisposing syndrome. Last evaluated: 2025-07-24. Review status: criteria provided, single submitter. Criteria: Ambry Variant Classification Scheme 2023. Collection method: clinical testing. Allele origin: germline.
Comment: The c.3708+3A>G intronic variant results from an A to G substitution 3 nucleotides after coding exon 27 in the NF1 gene. This nucleotide position is well conserved in available vertebrate species. In silico splice site analysis predicts that this alteration will not have any significant effect on splicing. Based on the available evidence, the clinical significance of this variant remains unclear.

Labcorp Genetics (formerly Invitae), Labcorp
Classification: Uncertain significance for Neurofibromatosis, type 1. Last evaluated: 2020-12-13. Review status: criteria provided, single submitter. Criteria: Invitae Variant Classification Sherloc (09022015). Collection method: clinical testing. Allele origin: germline.
Comment: This sequence change falls in intron 27 of the NF1 gene. It does not directly change the encoded amino acid sequence of the NF1 protein. It affects a nucleotide within the consensus splice site of the intron. This variant is not present in population databases (ExAC no frequency). This variant has not been reported in the literature in individuals with NF1-related conditions. Nucleotide substitutions within the consensus splice site are a relatively common cause of aberrant splicing (PMID: 17576681, 9536098). Algorithms developed to predict the effect of sequence changes on RNA splicing suggest that this variant is not likely to affect RNA splicing, but this prediction has not been confirmed by published transcriptional studies. In summary, the available evidence is currently insufficient to determine the role of this variant in disease. Therefore, it has been classified as a Variant of Uncertain Significance.

Literature cited by the submitters: PubMed 17576681 (cited by Labcorp Genetics (formerly Invitae), Labcorp); PubMed 9536098 (cited by Labcorp Genetics (formerly Invitae), Labcorp).

NM_001042492.3(NF1):c.3708+3A>G

Gene: NF1 (neurofibromin 1; plus strand). Cytogenetic location: 17q11.2.
Variant type: single nucleotide variant.
Coding change: c.3708+3A>G on transcript NM_001042492.3 (MANE Select); 3 bases into the intron after coding-DNA position 3708, A replaced by G.
Molecular consequence: intron variant.
Genome position (GRCh38, 1-based): chr17:31,233,216, A>G. VCF-style: chr17-31233216-A-G. GRCh37 (hg19) VCF-style: chr17-29560234-A-G.
Other names: c.3708+3A>G (NM_000267.3, NM_000267.4).
Identifiers: ClinVar variation 1001317 (VCV001001317.6), dbSNP rs1555615114, ClinGen allele CA2255570890.